The following is an entry in ClinVar:

ClinVar aggregate classification (germline): Conflicting classifications of pathogenicity. Review status: criteria provided, conflicting classifications (1 of 4 stars). 6 submissions from 6 submitters: Uncertain significance (5); Likely benign (1). Last evaluated 2025-11-06.

Conditions:
Inborn genetic diseases. Identifiers: MedGen C0950123, MeSH D030342.
Congenital sensory neuropathy with selective loss of small myelinated fibers (HSAN5). Also called: HSAN Type V. Identifiers: Orphanet 64752, MedGen C0020075, MONDO:0012092, OMIM 608654.
NGF-related disorder. Also called: NGF-related condition.

Allele frequency attached by ClinVar (database versions not stated): gnomAD exomes 0.00002 and 0.00004; ExAC 0.00006; gnomAD 0.00008 and 0.00011; TOPMed 0.00014; ESP Exome Variant Server 0.00015.
gnomAD v4.1: 38 of 1,614,058 alleles (0.0024%); highest among the groups gnomAD compares: African/African-American, 0.049%; no homozygotes.

Submissions (6):

PreventionGenetics, part of Exact Sciences
Classification: Uncertain significance for NGF-related condition. Last evaluated: 2025-11-06. Review status: criteria provided, single submitter. Criteria: ACMG Guidelines, 2015. Collection method: clinical testing. Allele origin: germline.
Comment: The NGF c.224G>A variant is predicted to result in the amino acid substitution p.Arg75Lys. To our knowledge, this variant has not been reported in the literature. This variant is reported in 0.052% of alleles in individuals of African descent in gnomAD. Although we suspect that this variant may be benign, at this time, the clinical significance of this variant is uncertain due to the absence of conclusive functional and genetic evidence.

Ambry Genetics
Classification: Likely benign for Inborn genetic diseases. Last evaluated: 2025-09-05. Review status: criteria provided, single submitter. Criteria: Ambry Variant Classification Scheme 2023. Collection method: clinical testing. Allele origin: germline.

GeneDx
Classification: Uncertain significance. Last evaluated: 2025-07-10. Review status: criteria provided, single submitter. Criteria: GeneDx Variant Classification Process June 2021. Collection method: clinical testing. Allele origin: germline. Affected: yes.
Comment: In silico analysis suggests that this missense variant does not alter protein structure/function; Has not been previously published as pathogenic or benign to our knowledge

Genome-Nilou Lab
Classification: Uncertain significance for Congenital sensory neuropathy with selective loss of small myelinated fibers. Last evaluated: 2023-04-11. Review status: criteria provided, single submitter. Criteria: ACMG Guidelines, 2015. Collection method: clinical testing. Allele origin: germline. Affected: no.

Labcorp Genetics (formerly Invitae), Labcorp
Classification: Uncertain significance for Congenital sensory neuropathy with selective loss of small myelinated fibers. Last evaluated: 2022-07-12. Review status: criteria provided, single submitter. Criteria: Invitae Variant Classification Sherloc (09022015). Collection method: clinical testing. Allele origin: germline.
Comment: This sequence change replaces arginine, which is basic and polar, with lysine, which is basic and polar, at codon 75 of the NGF protein (p.Arg75Lys). This variant is present in population databases (rs141486298, gnomAD 0.05%). This variant has not been reported in the literature in individuals affected with NGF-related conditions. ClinVar contains an entry for this variant (Variation ID: 1028026). Algorithms developed to predict the effect of missense changes on protein structure and function output the following: SIFT: "Tolerated"; PolyPhen-2: "Benign"; Align-GVGD: "Class C0". The lysine amino acid residue is found in multiple mammalian species, which suggests that this missense change does not adversely affect protein function. Algorithms developed to predict the effect of sequence changes on RNA splicing suggest that this variant may create or strengthen a splice site. In summary, the available evidence is currently insufficient to determine the role of this variant in disease. Therefore, it has been classified as a Variant of Uncertain Significance.

Baylor Genetics
Classification: Uncertain significance for Congenital sensory neuropathy with selective loss of small myelinated fibers. Last evaluated: 2019-03-26. Review status: criteria provided, single submitter. Criteria: ACMG Guidelines, 2015. Collection method: clinical testing. Allele origin: unknown. Affected: yes.
Comment: This variant was determined to be of uncertain significance according to ACMG Guidelines, 2015 [PMID:25741868].

NM_002506.3(NGF):c.224G>A (p.Arg75Lys)

Genes: NGF (nerve growth factor; minus strand), NGF-AS1 (NGF antisense RNA 1; plus strand). Cytogenetic location: 1p13.2.
Variant type: single nucleotide variant.
Coding change: c.224G>A on transcript NM_002506.3 (MANE Select); coding-DNA position 224, G replaced by A.
Protein change: p.Arg75Lys; replaces arginine 75 with lysine.
Molecular consequence: missense variant.
Genome position (GRCh38, 1-based): chr1:115,286,572, C>T on the plus strand (G>A on the coding strand, the complement: NGF is on the minus strand). VCF-style: chr1-115286572-C-T. GRCh37 (hg19) VCF-style: chr1-115829193-C-T.
Other names: short protein forms R75K.
Identifiers: ClinVar variation 1028026 (VCV001028026.9), dbSNP rs141486298, ClinGen allele CA1023021.